The following is an entry in ClinVar:

ClinVar aggregate classification (germline): Likely pathogenic. Review status: criteria provided, multiple submitters, no conflicts (2 of 4 stars). 2 submissions from 2 submitters: Likely pathogenic (2). Last evaluated 2025-07-16.

Conditions:
Hemochromatosis type 3 (HFE3). Also called: HEMOCHROMATOSIS DUE TO DEFECT IN TRANSFERRIN RECEPTOR 2; Hereditary hemochromatosis type 3; TFR2-Related Hemochromatosis. Identifiers: Orphanet 225123, MedGen C1858664, MONDO:0011417, OMIM 604250.

gnomAD v4.1: 4 of 1,613,388 alleles (0.00025%); highest among the groups gnomAD compares: Non-Finnish European, 0.00034%; no homozygotes.

Submissions (2):

Natera, Inc.
Classification: Likely pathogenic for Hereditary hemochromatosis type 3. Last evaluated: 2025-07-16. Review status: criteria provided, single submitter. Criteria: Natera Variant Classification Schema (03/2026). Collection method: clinical testing. Allele origin: germline.
Comment: The c.1606-8A>G variant in TFR2 is an intronic variant located outside the canonical splice sites. This variant is rare in the general population with a frequency below the threshold expected for the associated phenotype(s). This variant has been observed in one or more individuals affected with the associated recessive disease, as either homozygous or compound heterozygous with a second variant (PMID: 26029709). Functional studies show that this variant may disrupt protein function (PMID: 26029709). Computational prediction algorithms indicate this variant is likely to affect gene or protein function. Given the available evidence, this variant is classified as Likely Pathogenic.

Baylor Genetics
Classification: Likely pathogenic for Hemochromatosis type 3. Last evaluated: 2023-01-29. Review status: criteria provided, single submitter. Criteria: ACMG Guidelines, 2015. Collection method: clinical testing. Allele origin: unknown.

Literature cited by the submitters: PubMed 26029709 (cited by Natera, Inc.).

NM_003227.4(TFR2):c.1606-8A>G

Gene: TFR2 (transferrin receptor 2; minus strand). Cytogenetic location: 7q22.1.
Variant type: single nucleotide variant.
Coding change: c.1606-8A>G on transcript NM_003227.4 (MANE Select); 8 bases into the intron before coding-DNA position 1606, A replaced by G.
Molecular consequence: intron variant.
Genome position (GRCh38, 1-based): chr7:100,627,828, T>C on the plus strand (A>G on the coding strand, the complement: TFR2 is on the minus strand). VCF-style: chr7-100627828-T-C. GRCh37 (hg19) VCF-style: chr7-100225451-T-C.
Other names: c.1093-8A>G (NM_001206855.3); c.1606-8A>G (NM_003227.3).
Identifiers: ClinVar variation 2679162 (VCV002679162.2), dbSNP rs2486118857, ClinGen allele CA2549398875.